The following is an entry in ClinVar:

ClinVar aggregate classification (germline): Uncertain significance (1 of 4 stars; one submission).

gnomAD v4.1: 1 of 1,560,982 alleles (0.000064%); highest among the groups gnomAD compares: Non-Finnish European, 0.000087%; no homozygotes.

Submission:

Dasa
Classification: Uncertain significance. Last evaluated: 2025-02-08. Review status: criteria provided, single submitter. Criteria: DASA Assertion Criteria. Collection method: clinical testing. Allele origin: germline.
Comment: NM_001394372.1(BICRA):c.1366A>G (p.Ser456Gly) is a missense variant that results in the substitution of serine with glycine. This variant is rare in population databases. Computational prediction algorithms are consistent with a benign effect. The currently available literature and clinical evidence are not sufficient to establish a definitive association between this variant and the reported condition. Therefore, this variant is classified as a variant of uncertain significance.

NM_001394372.1(BICRA):c.1366A>G (p.Ser456Gly)

Gene: BICRA (BRD4 interacting chromatin remodeling complex associated protein; plus strand). Cytogenetic location: 19q13.33.
Variant type: single nucleotide variant.
Coding change: c.1366A>G on transcript NM_001394372.1 (MANE Select); coding-DNA position 1366, A replaced by G.
Protein change: p.Ser456Gly; replaces serine 456 with glycine.
Molecular consequence: missense variant.
Genome position (GRCh38, 1-based): chr19:47,680,536, A>G. VCF-style: chr19-47680536-A-G. GRCh37 (hg19) VCF-style: chr19-48183793-A-G.
Other names: c.1366A>G, p.Ser456Gly (NM_015711.3); short protein forms S456G.
Identifiers: ClinVar variation 4883580 (VCV004883580.2).